The following is an entry in ClinVar:

NM_001009944.3(PKD1):c.2850del (p.Leu950_Val951insTer)

Gene: PKD1 (polycystin 1, transient receptor potential channel interacting; minus strand). Cytogenetic location: 16p13.3.
Variant type: Deletion.
Coding change: c.2850del on transcript NM_001009944.3 (MANE Select); coding-DNA position 2850, one base deleted (A; older notation c.2850delA).
Protein change: p.Leu950_Val951insTer.
Molecular consequence: frameshift variant.
Genome position (GRCh38, 1-based): chr16:2,114,173, T deleted on the plus strand (A on the coding strand, the reverse complement: PKD1 is on the minus strand). VCF-style (leftmost placement, unchanged base first): chr16-2114172-CT-C. GRCh37 (hg19) VCF-style: chr16-2164173-CT-C.
Other names: c.2850del, p.Leu950_Val951insTer (NM_000296.4).
Identifiers: ClinVar variation 3068328 (VCV003068328.1), dbSNP rs2544851099, ClinGen allele CA2825002331.

ClinVar aggregate classification (germline): Pathogenic (1 of 4 stars; one submission).

Conditions:
Polycystic kidney disease, adult type (PKD1). Also called: Polycystic Kidney, Autosomal Dominant; POLYCYSTIC KIDNEY DISEASE 1 WITH OR WITHOUT POLYCYSTIC LIVER DISEASE; Polycystic Kidney Disease 1, Autosomal Dominant; Polycystic kidney disease 1; Polycystic kidney disease 1, severe; POLYCYSTIC KIDNEY DISEASE, ADULT, TYPE I. Identifiers: MedGen C3149841, MONDO:0008263, OMIM 173900.

Submission:

MVZ Medizinische Genetik Mainz
Classification: Pathogenic for Polycystic kidney disease, adult type. Last evaluated: 2021-09-29. Review status: criteria provided, single submitter. Criteria: UK Practice Guidelines For Variant Classification V4 01 2020. Collection method: clinical testing. Allele origin: germline. Inheritance: Autosomal dominant inheritance. Affected: yes. Observed: 1 variant allele.
Comment: ACMG Criteria: PVS1, PM2_SUP, PP4 (ACMG Version 3)